The following is an entry in ClinVar:

NM_001110556.2(FLNA):c.3467C>G (p.Pro1156Arg)

Gene: FLNA (filamin A; minus strand). Cytogenetic location: Xq28.
Variant type: single nucleotide variant.
Coding change: c.3467C>G on transcript NM_001110556.2 (MANE Select); coding-DNA position 3467, C replaced by G.
Protein change: p.Pro1156Arg; replaces proline 1156 with arginine.
Molecular consequence: missense variant.
Genome position (GRCh38, 1-based): chrX:154,360,328, G>C on the plus strand (C>G on the coding strand, the complement: FLNA is on the minus strand). VCF-style: chrX-154360328-G-C. GRCh37 (hg19) VCF-style: chrX-153588696-G-C.
Other names: c.3467C>G, p.Pro1156Arg (NM_001456.4); short protein forms P1156R.
Identifiers: ClinVar variation 2093904 (VCV002093904.4), dbSNP rs2522741268, ClinGen allele CA415227221.

ClinVar aggregate classification (germline): Uncertain significance (1 of 4 stars; one submission).

Conditions:
Melnick-Needles syndrome (MNS). Also called: MELNICK-NEEDLES OSTEODYSPLASTY; OSTEODYSPLASTY OF MELNICK AND NEEDLES; Melnick-Needles Syndrome (FLNA-MNS). Identifiers: Orphanet 2484, MedGen C0025237, MONDO:0010650, OMIM 309350.
Heterotopia, periventricular, X-linked dominant (PVNH1). Also called: PERIVENTRICULAR NODULAR HETEROTOPIA 1; X-linked periventricular heterotopia; PERIVENTRICULAR NODULAR HETEROTOPIA 4; HETEROTOPIA, PERIVENTRICULAR, 1. Identifiers: Orphanet 2149, Orphanet 82004, MedGen C1848213, MONDO:0010233, OMIM 300049.
Frontometaphyseal dysplasia (FMD1). Identifiers: Orphanet 1826, MedGen C0265293, MONDO:0015942.
Oto-palato-digital syndrome, type II (OPD2). Also called: FACIOPALATOOSSEOUS SYNDROME; OPD II SYNDROME; Otopalatodigital Syndrome Type 2 (FLNA-OPD2); Otopalatodigital Syndrome, Type II. Identifiers: Orphanet 669, Orphanet 90652, MedGen C1844696, MONDO:0010571, OMIM 304120.

Submission:

Labcorp Genetics (formerly Invitae), Labcorp
Classification: Uncertain significance for Oto-palato-digital syndrome, type II; Heterotopia, periventricular, X-linked dominant; Frontometaphyseal dysplasia; Melnick-Needles syndrome. Last evaluated: 2025-03-17. Review status: criteria provided, single submitter. Criteria: Invitae Variant Classification Sherloc (09022015). Collection method: clinical testing. Allele origin: germline.
Comment: This sequence change replaces proline, which is neutral and non-polar, with arginine, which is basic and polar, at codon 1156 of the FLNA protein (p.Pro1156Arg). This variant is not present in population databases (gnomAD no frequency). This variant has not been reported in the literature in individuals affected with FLNA-related conditions. ClinVar contains an entry for this variant (Variation ID: 2093904). Invitae Evidence Modeling of protein sequence and biophysical properties (such as structural, functional, and spatial information, amino acid conservation, physicochemical variation, residue mobility, and thermodynamic stability) indicates that this missense variant is not expected to disrupt FLNA protein function with a negative predictive value of 95%. In summary, the available evidence is currently insufficient to determine the role of this variant in disease. Therefore, it has been classified as a Variant of Uncertain Significance.